The following is an entry in ClinVar:

ClinVar aggregate classification (germline): Uncertain significance. Review status: criteria provided, multiple submitters, no conflicts (2 of 4 stars). 2 submissions from 2 submitters: Uncertain significance (2). Last evaluated 2025-05-06.

Allele frequency attached by ClinVar (database versions not stated): TOPMed 0.00001; gnomAD 0.00001; ExAC 0.00002; gnomAD exomes 0.00004 and 0.00002.
gnomAD v4.1: 28 of 1,613,496 alleles (0.0017%); highest among the groups gnomAD compares: Admixed American, 0.013%; no homozygotes.

Submissions (2):

Dasa
Classification: Uncertain significance. Last evaluated: 2025-05-06. Review status: criteria provided, single submitter. Criteria: DASA Assertion Criteria. Collection method: clinical testing. Allele origin: germline.
Comment: NM_000400.4(ERCC2):c.1742T>C (p.Leu581Pro) is a missense variant that results in the substitution of leucine with proline. The affected residue or protein region has prior evidence supporting clinical relevance. This variant is rare in population databases. Computational prediction algorithms are consistent with a deleterious effect. The currently available literature and clinical evidence are not sufficient to establish a definitive association between this variant and the reported condition. Therefore, this variant is classified as a variant of uncertain significance.

Labcorp Genetics (formerly Invitae), Labcorp
Classification: Uncertain significance. Last evaluated: 2024-11-18. Review status: criteria provided, single submitter. Criteria: Invitae Variant Classification Sherloc (09022015). Collection method: clinical testing. Allele origin: germline.
Comment: This sequence change replaces leucine, which is neutral and non-polar, with proline, which is neutral and non-polar, at codon 581 of the ERCC2 protein (p.Leu581Pro). This variant is present in population databases (rs779887284, gnomAD 0.009%). This missense change has been observed in individual(s) with clinical features of trichothiodystrophy (PMID: 35599849). ClinVar contains an entry for this variant (Variation ID: 1419917). Invitae Evidence Modeling of protein sequence and biophysical properties (such as structural, functional, and spatial information, amino acid conservation, physicochemical variation, residue mobility, and thermodynamic stability) indicates that this missense variant is expected to disrupt ERCC2 protein function with a positive predictive value of 80%. In summary, the available evidence is currently insufficient to determine the role of this variant in disease. Therefore, it has been classified as a Variant of Uncertain Significance.

Literature cited by the submitters: PubMed 35599849 (cited by Labcorp Genetics (formerly Invitae), Labcorp).

NM_000400.4(ERCC2):c.1742T>C (p.Leu581Pro)

Gene: ERCC2 (ERCC excision repair 2, TFIIH core complex helicase subunit; minus strand). Cytogenetic location: 19q13.32.
Variant type: single nucleotide variant.
Coding change: c.1742T>C on transcript NM_000400.4 (MANE Select); coding-DNA position 1742, T replaced by C.
Protein change: p.Leu581Pro; replaces leucine 581 with proline.
Molecular consequence: missense variant.
Genome position (GRCh38, 1-based): chr19:45,353,258, A>G on the plus strand (T>C on the coding strand, the complement: ERCC2 is on the minus strand). VCF-style: chr19-45353258-A-G. GRCh37 (hg19) VCF-style: chr19-45856516-A-G.
Other names: short protein forms L581P.
Identifiers: ClinVar variation 1419917 (VCV001419917.8), dbSNP rs779887284, ClinGen allele CA9513126.